The following is an entry in ClinVar:

NM_198578.4(LRRK2):c.3497-8del

Gene: LRRK2 (leucine rich repeat kinase 2; plus strand). Cytogenetic location: 12q12.
Variant type: Deletion.
Coding change: c.3497-8del on transcript NM_198578.4 (MANE Select); 8 bases into the intron before coding-DNA position 3497, one base deleted (T; older notation c.3497-8delT).
Molecular consequence: intron variant.
Genome position (GRCh38, 1-based): chr12:40,302,781, T deleted; the last of 8 consecutive T bases (chr12:40,302,774-40,302,781); deleting any one gives the same sequence. VCF-style (leftmost placement, unchanged base first): chr12-40302773-AT-A. GRCh37 (hg19) VCF-style: chr12-40696575-AT-A.
Identifiers: ClinVar variation 308626 (VCV000308626.17), dbSNP rs201739149, ClinGen allele CA6513934.

ClinVar aggregate classification (germline): Benign. Review status: criteria provided, multiple submitters, no conflicts (2 of 4 stars). 5 submissions from 5 submitters: Benign (4). 1 of the submissions does not count toward it. Last evaluated 2026-01-25.

Conditions:
Autosomal dominant Parkinson disease 8. Also called: LRRK2-Related Parkinson Disease; Parkinson disease 8; Parkinson disease 8, susceptibility to. Identifiers: Orphanet 411602, MedGen C1846862, MONDO:0011764, OMIM 607060.
LRRK2-related disorder. Also called: LRRK2-related condition.

Submissions (5):

Labcorp Genetics (formerly Invitae), Labcorp
Classification: Benign for Autosomal dominant Parkinson disease 8. Last evaluated: 2026-01-25. Review status: criteria provided, single submitter. Criteria: Invitae Variant Classification Sherloc (09022015). Collection method: clinical testing. Allele origin: germline.

Fulgent Genetics
Classification: Benign for Autosomal dominant Parkinson disease 8. Last evaluated: 2021-09-19. Review status: criteria provided, single submitter. Criteria: ACMG Guidelines, 2015. Collection method: clinical testing. Allele origin: unknown.

GeneDx
Classification: Benign. Last evaluated: 2019-02-07. Review status: criteria provided, single submitter. Criteria: GeneDx Variant Classification Process June 2021. Collection method: clinical testing. Allele origin: germline. Affected: yes.
Comment: This variant is associated with the following publications: (PMID: 25980689)

Athena Diagnostics
Classification: Benign. Last evaluated: 2018-06-29. Review status: criteria provided, single submitter. Criteria: Athena Diagnostics Criteria. Collection method: clinical testing. Allele origin: germline.

PreventionGenetics, part of Exact Sciences
Classification: Likely benign for LRRK2-related condition. Last evaluated: 2023-12-28. Review status: no assertion criteria provided. Collection method: clinical testing. Allele origin: germline. Not counted in ClinVar's aggregate classification.
Comment: This variant is classified as likely benign based on ACMG/AMP sequence variant interpretation guidelines (Richards et al. 2015 PMID: 25741868, with internal and published modifications).